The following is an entry in ClinVar:

NM_001358530.2(MOCS1):c.196G>A (p.Gly66Ser)

Gene: MOCS1 (molybdenum cofactor synthesis 1; minus strand). Cytogenetic location: 6p21.2.
Variant type: single nucleotide variant.
Coding change: c.196G>A on transcript NM_001358530.2 (MANE Select); coding-DNA position 196, G replaced by A.
Protein change: p.Gly66Ser; replaces glycine 66 with serine.
Molecular consequence: missense variant. On other transcripts: 5 prime UTR variant (1), intron variant (2).
Genome position (GRCh38, 1-based): chr6:39,927,383, C>T on the plus strand (G>A on the coding strand, the complement: MOCS1 is on the minus strand). VCF-style: chr6-39927383-C-T. GRCh37 (hg19) VCF-style: chr6-39895122-C-T.
Other names: c.196G>A, p.Gly66Ser (NM_001075098.4, NM_001358529.2, NM_005943.6); c.-66G>A (NM_001358534.2); c.-11-1538G>A (NM_001358531.2, NM_001358533.2); short protein forms G66S.
Identifiers: ClinVar variation 1450460 (VCV001450460.5), dbSNP rs150364145, ClinGen allele CA3796410.

ClinVar aggregate classification (germline): Uncertain significance (1 of 4 stars; one submission).

Conditions:
Sulfite oxidase deficiency due to molybdenum cofactor deficiency type A. Also called: Molybdenum Cofactor Deficiency A; Molybdenum cofactor deficiency, complementation group A. Identifiers: Orphanet 308386, Orphanet 833, MedGen C1854988, MONDO:0009643, OMIM 252150.

Allele frequency attached by ClinVar (database versions not stated): gnomAD exomes 0.00004; TOPMed 0.00004; ExAC 0.00005; ESP Exome Variant Server 0.00023.
gnomAD v4.1: 93 of 1,612,592 alleles (0.0058%); highest among the groups gnomAD compares: Non-Finnish European, 0.0072%; no homozygotes.

Submission:

Labcorp Genetics (formerly Invitae), Labcorp
Classification: Uncertain significance for Sulfite oxidase deficiency due to molybdenum cofactor deficiency type A. Last evaluated: 2022-08-22. Review status: criteria provided, single submitter. Criteria: Invitae Variant Classification Sherloc (09022015). Collection method: clinical testing. Allele origin: germline.
Comment: This sequence change replaces glycine, which is neutral and non-polar, with serine, which is neutral and polar, at codon 66 of the MOCS1 protein (p.Gly66Ser). This variant is present in population databases (rs150364145, gnomAD 0.008%). This variant has not been reported in the literature in individuals affected with MOCS1-related conditions. ClinVar contains an entry for this variant (Variation ID: 1450460). Algorithms developed to predict the effect of missense changes on protein structure and function are either unavailable or do not agree on the potential impact of this missense change (SIFT: "Not Available"; PolyPhen-2: "Probably Damaging"; Align-GVGD: "Not Available"). In summary, the available evidence is currently insufficient to determine the role of this variant in disease. Therefore, it has been classified as a Variant of Uncertain Significance.